The following is an entry in ClinVar:

NM_001142800.2(EYS):c.7578+5A>G

Gene: EYS (eyes shut homolog; minus strand). Cytogenetic location: 6q12.
Variant type: single nucleotide variant.
Coding change: c.7578+5A>G on transcript NM_001142800.2 (MANE Select); 5 bases into the intron after coding-DNA position 7578, A replaced by G.
Molecular consequence: intron variant.
Genome position (GRCh38, 1-based): chr6:63,789,053, T>C on the plus strand (A>G on the coding strand, the complement: EYS is on the minus strand). VCF-style: chr6-63789053-T-C. GRCh37 (hg19) VCF-style: chr6-64498946-T-C.
Other names: c.7578+5A>G (NM_001292009.2).
Identifiers: ClinVar variation 960407 (VCV000960407.7), dbSNP rs1770441002, ClinGen allele CA1139659644.

ClinVar aggregate classification (germline): Uncertain significance (1 of 4 stars; one submission).

Submission:

Labcorp Genetics (formerly Invitae), Labcorp
Classification: Uncertain significance. Last evaluated: 2022-03-10. Review status: criteria provided, single submitter. Criteria: Invitae Variant Classification Sherloc (09022015). Collection method: clinical testing. Allele origin: germline.
Comment: This sequence change falls in intron 38 of the EYS gene. It does not directly change the encoded amino acid sequence of the EYS protein. It affects a nucleotide within the consensus splice site. This variant is not present in population databases (gnomAD no frequency). This variant has not been reported in the literature in individuals affected with EYS-related conditions. ClinVar contains an entry for this variant (Variation ID: 960407). Variants that disrupt the consensus splice site are a relatively common cause of aberrant splicing (PMID: 17576681, 9536098). Algorithms developed to predict the effect of sequence changes on RNA splicing suggest that this variant is not likely to affect RNA splicing. In summary, the available evidence is currently insufficient to determine the role of this variant in disease. Therefore, it has been classified as a Variant of Uncertain Significance.

Literature cited by the submitters: PubMed 17576681; PubMed 9536098.